The following is an entry in ClinVar:

ClinVar aggregate classification (germline): Uncertain significance (1 of 4 stars; one submission).

Conditions:
Tuberous sclerosis 2 (TSC2). Identifiers: Orphanet 805, MedGen C1860707, MONDO:0013199, OMIM 613254.

Submission:

Labcorp Genetics (formerly Invitae), Labcorp
Classification: Uncertain significance for Tuberous sclerosis 2. Last evaluated: 2021-09-05. Review status: criteria provided, single submitter. Criteria: Invitae Variant Classification Sherloc (09022015). Collection method: clinical testing. Allele origin: germline.
Comment: This variant is not present in population databases (ExAC no frequency). This variant has not been reported in the literature in individuals affected with TSC2-related conditions. Advanced modeling of protein sequence and biophysical properties (such as structural, functional, and spatial information, amino acid conservation, physicochemical variation, residue mobility, and thermodynamic stability) performed at Invitae indicates that this missense variant is not expected to disrupt TSC2 protein function. This sequence change replaces alanine with threonine at codon 822 of the TSC2 protein (p.Ala822Thr). The alanine residue is moderately conserved and there is a small physicochemical difference between alanine and threonine. In summary, the available evidence is currently insufficient to determine the role of this variant in disease. Therefore, it has been classified as a Variant of Uncertain Significance.

NM_000548.5(TSC2):c.2464G>A (p.Ala822Thr)

Gene: TSC2 (TSC complex subunit 2; plus strand). Cytogenetic location: 16p13.3.
Variant type: single nucleotide variant.
Coding change: c.2464G>A on transcript NM_000548.5 (MANE Select); coding-DNA position 2464, G replaced by A.
Protein change: p.Ala822Thr; replaces alanine 822 with threonine.
Molecular consequence: missense variant.
Genome position (GRCh38, 1-based): chr16:2,074,308, G>A. VCF-style: chr16-2074308-G-A. GRCh37 (hg19) VCF-style: chr16-2124309-G-A.
Other names: c.2464G>A, p.Ala822Thr (NM_001077183.3, NM_001114382.3, NM_001363528.2 and 3 more transcripts); c.2353G>A, p.Ala785Thr (NM_001318827.2); c.2317G>A, p.Ala773Thr (NM_001318829.2); c.1864G>A, p.Ala622Thr (NM_001318831.2); c.2497G>A, p.Ala833Thr (NM_001318832.2); short protein forms A622T, A773T, A822T, A833T, A785T.
Identifiers: ClinVar variation 1475118 (VCV001475118.6), dbSNP rs2151352584, ClinGen allele CA394277575.